The following is an entry in ClinVar:

ClinVar aggregate classification (germline): Pathogenic (1 of 4 stars; one submission).

Conditions:
Primary ciliary dyskinesia 3. Identifiers: Orphanet 244, MedGen C1837618, MONDO:0012085, OMIM 608644.

Submission:

Myriad Genetics, Inc.
Classification: Pathogenic for Primary ciliary dyskinesia 3. Last evaluated: 2026-02-17. Review status: criteria provided, single submitter. Criteria: Myriad Autosomal Dominant, Autosomal Recessive and X-Linked Classification Criteria (2023). Collection method: clinical testing. Allele origin: unknown.
Comment: NM_001369.2(DNAH5):c.9022G>T(G3008*) is expected to be pathogenic in the context of primary ciliary dyskinesia, DNAH5-related. This variant is predicted to lead to an abnormal or absent protein product due to the creation of a premature termination codon in DNAH5, a gene where loss-of-function variants are known to be pathogenic. Please note: this variant was assessed in the context of healthy population screening.

NM_001369.3(DNAH5):c.9022G>T (p.Gly3008Ter)

Gene: DNAH5 (dynein axonemal heavy chain 5; minus strand). Cytogenetic location: 5p15.2.
Variant type: single nucleotide variant.
Coding change: c.9022G>T on transcript NM_001369.3 (MANE Select); coding-DNA position 9022, G replaced by T.
Protein change: p.Gly3008Ter; replaces glycine 3008 with a stop codon.
Molecular consequence: nonsense.
Genome position (GRCh38, 1-based): chr5:13,777,285, C>A on the plus strand (G>T on the coding strand, the complement: DNAH5 is on the minus strand). VCF-style: chr5-13777285-C-A. GRCh37 (hg19) VCF-style: chr5-13777394-C-A.
Other names: short protein forms G3008*.
Identifiers: ClinVar variation 5015561 (VCV005015561.1).